The following is an entry in ClinVar:

ClinVar aggregate classification (germline): Uncertain significance. Review status: criteria provided, multiple submitters, no conflicts (2 of 4 stars). 2 submissions from 2 submitters: Uncertain significance (2). Last evaluated 2021-08-18.

Conditions:
Congenital myotonia, autosomal recessive form. Also called: Becker Generalized Myotonia; myotonia congenita, autosomal recessive; BECKER DISEASE. Identifiers: Orphanet 614, MedGen C0751360, MONDO:0009715, OMIM 255700.
Congenital myotonia, autosomal dominant form (THD). Also called: THOMSEN DISEASE; Myotonia congenita autosomal dominant. Identifiers: Orphanet 614, MedGen C2936781, MONDO:0008055, OMIM 160800.

Submissions (2):

Labcorp Genetics (formerly Invitae), Labcorp
Classification: Uncertain significance for Congenital myotonia, autosomal recessive form; Congenital myotonia, autosomal dominant form. Last evaluated: 2021-08-18. Review status: criteria provided, single submitter. Criteria: Invitae Variant Classification Sherloc (09022015). Collection method: clinical testing. Allele origin: germline.
Comment: In summary, the available evidence is currently insufficient to determine the role of this variant in disease. Therefore, it has been classified as a Variant of Uncertain Significance. Advanced modeling of protein sequence and biophysical properties (such as structural, functional, and spatial information, amino acid conservation, physicochemical variation, residue mobility, and thermodynamic stability) performed at Invitae indicates that this missense variant is expected to disrupt CLCN1 protein function. This variant has not been reported in the literature in individuals with CLCN1-related conditions. This variant is not present in population databases (ExAC no frequency). This sequence change replaces threonine with alanine at codon 335 of the CLCN1 protein (p.Thr335Ala). The threonine residue is highly conserved and there is a small physicochemical difference between threonine and alanine.

Athena Diagnostics
Classification: Uncertain significance. Last evaluated: 2020-11-20. Review status: criteria provided, single submitter. Criteria: Athena Diagnostics criteria. Collection method: clinical testing. Allele origin: unknown.

NM_000083.3(CLCN1):c.1003A>G (p.Thr335Ala)

Gene: CLCN1 (chloride voltage-gated channel 1; plus strand). Cytogenetic location: 7q34.
Variant type: single nucleotide variant.
Coding change: c.1003A>G on transcript NM_000083.3 (MANE Select); coding-DNA position 1003, A replaced by G.
Protein change: p.Thr335Ala; replaces threonine 335 with alanine.
Molecular consequence: missense variant. On other transcripts: non-coding transcript variant (1).
Genome position (GRCh38, 1-based): chr7:143,331,255, A>G. VCF-style: chr7-143331255-A-G. GRCh37 (hg19) VCF-style: chr7-143028348-A-G.
Other names: short protein forms T335A.
Identifiers: ClinVar variation 1256108 (VCV001256108.9), dbSNP rs2116852900, ClinGen allele CA369641812.